The following is an entry in ClinVar:

NM_001303256.3(MORC2):c.778C>T (p.His260Tyr)

Gene: MORC2 (MORC family CW-type zinc finger 2; minus strand). Cytogenetic location: 22q12.2.
Variant type: single nucleotide variant.
Coding change: c.778C>T on transcript NM_001303256.3 (MANE Select); coding-DNA position 778, C replaced by T.
Protein change: p.His260Tyr; replaces histidine 260 with tyrosine.
Molecular consequence: missense variant.
Genome position (GRCh38, 1-based): chr22:30,941,479, G>A on the plus strand (C>T on the coding strand, the complement: MORC2 is on the minus strand). VCF-style: chr22-30941479-G-A. GRCh37 (hg19) VCF-style: chr22-31337466-G-A.
Other names: c.778C>T, p.His260Tyr (NM_001303257.2); c.592C>T, p.His198Tyr (NM_014941.3); short protein forms H260Y, H198Y.
Identifiers: ClinVar variation 3713688 (VCV003713688.2).

ClinVar aggregate classification (germline): Uncertain significance (1 of 4 stars; one submission).

Conditions:
Charcot-Marie-Tooth disease axonal type 2Z. Also called: CHARCOT-MARIE-TOOTH DISEASE, AXONAL, AUTOSOMAL DOMINANT, TYPE 2Z; CHARCOT-MARIE-TOOTH NEUROPATHY, TYPE 2Z. Identifiers: Orphanet 466768, MedGen C5569025, MONDO:0014736, OMIM 616688.

Submission:

Labcorp Genetics (formerly Invitae), Labcorp
Classification: Uncertain significance for Charcot-Marie-Tooth disease axonal type 2Z. Last evaluated: 2025-01-08. Review status: criteria provided, single submitter. Criteria: Invitae Variant Classification Sherloc (09022015). Collection method: clinical testing. Allele origin: germline.
Comment: This sequence change replaces histidine, which is basic and polar, with tyrosine, which is neutral and polar, at codon 260 of the MORC2 protein (p.His260Tyr). This variant is present in population databases (rs755209985, gnomAD 0.003%). This variant has not been reported in the literature in individuals affected with MORC2-related conditions. Invitae Evidence Modeling of protein sequence and biophysical properties (such as structural, functional, and spatial information, amino acid conservation, physicochemical variation, residue mobility, and thermodynamic stability) indicates that this missense variant is expected to disrupt MORC2 protein function with a positive predictive value of 95%. In summary, the available evidence is currently insufficient to determine the role of this variant in disease. Therefore, it has been classified as a Variant of Uncertain Significance.